The following is an entry in ClinVar:

NM_006180.6(NTRK2):c.364T>A (p.Phe122Ile)

Gene: NTRK2 (neurotrophic receptor tyrosine kinase 2; plus strand). Cytogenetic location: 9q21.33.
Variant type: single nucleotide variant.
Coding change: c.364T>A on transcript NM_006180.6 (MANE Select); coding-DNA position 364, T replaced by A.
Protein change: p.Phe122Ile; replaces phenylalanine 122 with isoleucine.
Molecular consequence: missense variant. On other transcripts: 5 prime UTR variant (5).
Genome position (GRCh38, 1-based): chr9:84,707,848, T>A. VCF-style: chr9-84707848-T-A. GRCh37 (hg19) VCF-style: chr9-87322763-T-A.
Other names: c.364T>A, p.Phe122Ile (NM_001007097.3, NM_001018064.3, NM_001018065.2 and 19 more transcripts); c.-105T>A (NM_001369535.1, NM_001369536.1, NM_001369550.1 and 2 more transcripts); short protein forms F122I.
Identifiers: ClinVar variation 2972101 (VCV002972101.3), dbSNP rs758634866, ClinGen allele CA5105484.

ClinVar aggregate classification (germline): Uncertain significance (1 of 4 stars; one submission).

Allele frequency attached by ClinVar (database versions not stated): ExAC 0.00001; gnomAD 0.00001; gnomAD exomes 0.00001; TOPMed 0.00002.
gnomAD v4.1: 13 of 1,612,324 alleles (0.00081%); highest among the groups gnomAD compares: Admixed American, 0.0017%; no homozygotes.

Submission:

Labcorp Genetics (formerly Invitae), Labcorp
Classification: Uncertain significance. Last evaluated: 2024-09-06. Review status: criteria provided, single submitter. Criteria: Invitae Variant Classification Sherloc (09022015). Collection method: clinical testing. Allele origin: germline.
Comment: This sequence change replaces phenylalanine, which is neutral and non-polar, with isoleucine, which is neutral and non-polar, at codon 122 of the NTRK2 protein (p.Phe122Ile). This variant is present in population databases (rs758634866, gnomAD 0.0009%). This variant has not been reported in the literature in individuals affected with NTRK2-related conditions. Invitae Evidence Modeling of protein sequence and biophysical properties (such as structural, functional, and spatial information, amino acid conservation, physicochemical variation, residue mobility, and thermodynamic stability) indicates that this missense variant is not expected to disrupt NTRK2 protein function with a negative predictive value of 80%. In summary, the available evidence is currently insufficient to determine the role of this variant in disease. Therefore, it has been classified as a Variant of Uncertain Significance.